The following is an entry in ClinVar:

ClinVar aggregate classification (germline): Conflicting classifications of pathogenicity. Review status: criteria provided, conflicting classifications (1 of 4 stars). 5 submissions from 4 submitters: Uncertain significance (1); Benign (1); Likely benign (3). Last evaluated 2025-09-24.

Conditions:
Emery-Dreifuss muscular dystrophy 4, autosomal dominant (EDMD4). Also called: EMERY-DREIFUSS MUSCULAR DYSTROPHY 4 WITH VARIABLE FEATURES. Identifiers: Orphanet 261, MedGen C2751807, MONDO:0013071, OMIM 612998.
Autosomal recessive ataxia, Beauce type. Also called: SYNE1-Related Autosomal Recessive Cerebellar Ataxia; Spinocerebellar ataxia, autosomal recessive 8; ATAXIA, RECESSIVE, OF BEAUCE; SYNE1 Deficiency. Identifiers: Orphanet 88644, MedGen C1853116, MONDO:0012549, OMIM 610743.

Allele frequency attached by ClinVar (database versions not stated): TOPMed 0.00009; gnomAD 0.00010; 1000 Genomes Project 30x 0.00047; 1000 Genomes Project 0.00060.
gnomAD v4.1: 34 of 1,614,176 alleles (0.0021%); highest among the groups gnomAD compares: East Asian, 0.074%; 1 homozygote.

Submissions (5):

Labcorp Genetics (formerly Invitae), Labcorp
Classification: Likely benign for Emery-Dreifuss muscular dystrophy 4, autosomal dominant; Autosomal recessive ataxia, Beauce type. Last evaluated: 2025-09-24. Review status: criteria provided, single submitter. Criteria: Invitae Variant Classification Sherloc (09022015). Collection method: clinical testing. Allele origin: germline.

Blueprint Genetics
Classification: Likely benign. Last evaluated: 2024-06-17. Review status: criteria provided, single submitter. Criteria: ACMG Guidelines, 2015. Collection method: clinical testing. Allele origin: germline.

Illumina Laboratory Services, Illumina
Classification: Uncertain significance for Autosomal recessive ataxia, Beauce type. Last evaluated: 2018-01-13. Review status: criteria provided, single submitter. Criteria: ICSL Variant Classification Criteria 13 December 2019. Collection method: clinical testing. Allele origin: germline.

Illumina Laboratory Services, Illumina
Classification: Benign for Emery-Dreifuss muscular dystrophy 4, autosomal dominant. Last evaluated: 2018-01-13. Review status: criteria provided, single submitter. Criteria: ICSL Variant Classification Criteria 13 December 2019. Collection method: clinical testing. Allele origin: germline.
Comment: This variant was observed in the ICSL laboratory as part of a predisposition screen in an ostensibly healthy population. It had not been previously curated by ICSL or reported in the Human Gene Mutation Database (HGMD: prior to June 1st, 2018), and was therefore a candidate for classification through an automated scoring system. Utilizing variant allele frequency, disease prevalence and penetrance estimates, and inheritance mode, an automated score was calculated to assess if this variant is too frequent to cause the disease. Based on the score and internal cut-off values, a variant classified as benign is not then subjected to further curation. The score for this variant resulted in a classification of benign for this disease.

Athena Diagnostics
Classification: Likely benign. Last evaluated: 2016-10-07. Review status: criteria provided, single submitter. Criteria: Athena Diagnostics Criteria. Collection method: clinical testing. Allele origin: germline.

NM_182961.4(SYNE1):c.9897G>T (p.Ala3299=)

Gene: SYNE1 (spectrin repeat containing nuclear envelope protein 1; minus strand). Cytogenetic location: 6q25.2.
Variant type: single nucleotide variant.
Coding change: c.9897G>T on transcript NM_182961.4 (MANE Select); coding-DNA position 9897, G replaced by T.
Protein change: p.Ala3299=; no amino-acid change (alanine 3299 retained).
Molecular consequence: synonymous variant.
Genome position (GRCh38, 1-based): chr6:152,367,293, C>A on the plus strand (G>T on the coding strand, the complement: SYNE1 is on the minus strand). VCF-style: chr6-152367293-C-A. GRCh37 (hg19) VCF-style: chr6-152688428-C-A.
Other names: c.9918G>T, p.Ala3306= (NM_033071.5).
Identifiers: ClinVar variation 355893 (VCV000355893.16), dbSNP rs184006845, ClinGen allele CA4057163.